The following is an entry in ClinVar:

ClinVar aggregate classification (germline): Pathogenic (1 of 4 stars; one submission).

Conditions:
Dilated cardiomyopathy 1DD (CMD1DD). Identifiers: Orphanet 154, MedGen C2750995, MONDO:0013168, OMIM 613172.

Submission:

Labcorp Genetics (formerly Invitae), Labcorp
Classification: Pathogenic for Dilated cardiomyopathy 1DD. Last evaluated: 2025-12-08. Review status: criteria provided, single submitter. Criteria: Invitae Variant Classification Sherloc (09022015). Collection method: clinical testing. Allele origin: germline.
Comment: This sequence change creates a premature translational stop signal (p.Arg781Serfs*129) in the RBM20 gene. It is expected to result in an absent or disrupted protein product. Loss-of-function variants in RBM20 are known to be pathogenic (PMID: 20590677, 22004663, 38288598, 38510713, 40339755). This variant is not present in population databases (gnomAD no frequency). This variant has not been reported in the literature in individuals affected with RBM20-related conditions. ClinVar contains an entry for this variant (Variation ID: 946836). For these reasons, this variant has been classified as Pathogenic.

Literature cited by the submitters: PubMed 20590677; PubMed 22004663; PubMed 38288598; PubMed 38510713; PubMed 40339755.

NM_001134363.3(RBM20):c.2343del (p.Arg781fs)

Gene: RBM20 (RNA binding motif protein 20; plus strand). Cytogenetic location: 10q25.2.
Variant type: Deletion.
Coding change: c.2343del on transcript NM_001134363.3 (MANE Select); coding-DNA position 2343, one base deleted (G; older notation c.2343delG).
Protein change: p.Arg781fs; shifts the reading frame from arginine 781.
Molecular consequence: frameshift variant.
Genome position (GRCh38, 1-based): chr10:110,812,740, G deleted; the last of 2 consecutive G bases (chr10:110,812,739-110,812,740); deleting either gives the same sequence. VCF-style (leftmost placement, unchanged base first): chr10-110812738-AG-A. GRCh37 (hg19) VCF-style: chr10-112572496-AG-A.
Other names: short protein forms R781fs.
Identifiers: ClinVar variation 946836 (VCV000946836.7), dbSNP rs1443137430, ClinGen allele CA659824936.